The following is an entry in ClinVar:

NM_001384140.1(PCDH15):c.617_618del (p.Ile206fs)

Gene: PCDH15 (protocadherin related 15; minus strand). Cytogenetic location: 10q21.1.
Variant type: Deletion.
Coding change: c.617_618del on transcript NM_001384140.1 (MANE Select); coding-DNA positions 617 to 618, 2 bases deleted (TT; older notation c.617_618delTT).
Protein change: p.Ile206fs; shifts the reading frame from isoleucine 206.
Molecular consequence: frameshift variant. On other transcripts: intron variant (1).
Genome position (GRCh38, 1-based): chr10:54,329,683-54,329,684, AA deleted on the plus strand (TT on the coding strand, the reverse complement: PCDH15 is on the minus strand). VCF-style (leftmost placement, unchanged base first): chr10-54329682-GAA-G. GRCh37 (hg19) VCF-style: chr10-56089442-GAA-G.
Other names: c.632_633del, p.Ile211fs (NM_001142763.2, NM_001142771.2); c.617_618del, p.Ile206fs (NM_001142764.2, NM_001142765.2, NM_001142766.2 and 7 more transcripts); c.551_552del, p.Ile184fs (NM_001142768.2, NM_001142773.2, NM_001354404.2); c.632_633delTT, p.Ile211Thrfs (NM_001142769.4); c.595-12243_595-12242del (NM_001142767.2); short protein forms I206fs, I211fs, I184fs.
Identifiers: ClinVar variation 1391199 (VCV001391199.6), dbSNP rs2133883986, ClinGen allele CA2573145147.

ClinVar aggregate classification (germline): Pathogenic (1 of 4 stars; one submission).

Submission:

Labcorp Genetics (formerly Invitae), Labcorp
Classification: Pathogenic. Last evaluated: 2021-10-03. Review status: criteria provided, single submitter. Criteria: Invitae Variant Classification Sherloc (09022015). Collection method: clinical testing. Allele origin: germline.
Comment: For these reasons, this variant has been classified as Pathogenic. This variant has not been reported in the literature in individuals affected with PCDH15-related conditions. This variant is not present in population databases (ExAC no frequency). This sequence change creates a premature translational stop signal (p.Ile206Thrfs*17) in the PCDH15 gene. It is expected to result in an absent or disrupted protein product. Loss-of-function variants in PCDH15 are known to be pathogenic (PMID: 11398101, 11487575, 14570705).

Literature cited by the submitters: PubMed 11398101; PubMed 11487575; PubMed 14570705.